The following is an entry in ClinVar:

ClinVar aggregate classification (germline): Benign. Review status: criteria provided, multiple submitters, no conflicts (2 of 4 stars). 5 submissions from 5 submitters: Benign (4). 1 of the submissions does not count toward it. Last evaluated 2021-10-07.

Conditions:
Ciliary dyskinesia, primary, 46. Identifiers: MedGen C5543646, MONDO:0030332, OMIM 619436.
STK36-related disorder. Also called: STK36-related condition.

Allele frequency attached by ClinVar (database versions not stated): ESP Exome Variant Server 0.00046; gnomAD exomes 0.00351 and 0.00816; 1000 Genomes Project 0.01518; ExAC 0.00668; gnomAD 0.00599 and 0.00518; TOPMed 0.00672; 1000 Genomes Project 30x 0.01437.
gnomAD v4.1: 6,077 of 1,614,058 alleles (0.38%); highest among the groups gnomAD compares: East Asian, 8.5%; 228 homozygotes.

Submissions (5):

Fulgent Genetics
Classification: Benign for Ciliary dyskinesia, primary, 46. Last evaluated: 2021-10-07. Review status: criteria provided, single submitter. Criteria: ACMG Guidelines, 2015. Collection method: clinical testing. Allele origin: unknown.

GeneDx
Classification: Benign. Last evaluated: 2021-05-05. Review status: criteria provided, single submitter. Criteria: GeneDx Variant Classification Process June 2021. Collection method: clinical testing. Allele origin: germline. Affected: yes.

Labcorp Genetics (formerly Invitae), Labcorp
Classification: Benign. Last evaluated: 2019-12-31. Review status: criteria provided, single submitter. Criteria: Invitae Variant Classification Sherloc (09022015). Collection method: clinical testing. Allele origin: germline.

Breakthrough Genomics
Classification: Benign. Review status: criteria provided, single submitter. Criteria: ACMG Guidelines, 2015. Collection method: not provided. Allele origin: germline. Inheritance: Autosomal recessive inheritance. Affected: yes.

PreventionGenetics, part of Exact Sciences
Classification: Benign for STK36-related condition. Last evaluated: 2019-03-21. Review status: no assertion criteria provided. Collection method: clinical testing. Allele origin: germline. Not counted in ClinVar's aggregate classification.
Comment: This variant is classified as benign based on ACMG/AMP sequence variant interpretation guidelines (Richards et al. 2015 PMID: 25741868, with internal and published modifications).

NM_015690.5(STK36):c.3540C>T (p.Ala1180=)

Gene: STK36 (serine/threonine kinase 36; plus strand). Cytogenetic location: 2q35.
Variant type: single nucleotide variant.
Coding change: c.3540C>T on transcript NM_015690.5 (MANE Select); coding-DNA position 3540, C replaced by T.
Protein change: p.Ala1180=; no amino-acid change (alanine 1180 retained).
Molecular consequence: synonymous variant.
Genome position (GRCh38, 1-based): chr2:218,699,084, C>T. VCF-style: chr2-218699084-C-T. GRCh37 (hg19) VCF-style: chr2-219563807-C-T.
Other names: c.3477C>T, p.Ala1159= (NM_001243313.2); c.3540C>T, p.Ala1180= (NM_001369423.1).
Identifiers: ClinVar variation 779868 (VCV000779868.10), dbSNP rs2241528, ClinGen allele CA2111422.
Genomic context (GRCh38, chr2:218,699,084, plus strand): 5'-GCTTGGAGACAAGGATCCTGTTGTGCGGTGCAGTGCCAGCTTTGCTGTGGGCAATGCAGC[C>T]TACCAGGCTGGTCCTCTGGGACCTGCCCTGGCAGCTGCAGTGCCCAGTATGACCCAGCTG-3'
Protein context (NP_056505.2, residues 1170-1190): CSASFAVGNA[Ala1180=]YQAGPLGPAL